The following is an entry in ClinVar:

ClinVar aggregate classification (germline): Uncertain significance (1 of 4 stars; one submission).

Submission:

Labcorp Genetics (formerly Invitae), Labcorp
Classification: Uncertain significance. Last evaluated: 2021-08-26. Review status: criteria provided, single submitter. Criteria: Invitae Variant Classification Sherloc (09022015). Collection method: clinical testing. Allele origin: germline.
Comment: In summary, the available evidence is currently insufficient to determine the role of this variant in disease. Therefore, it has been classified as a Variant of Uncertain Significance. Advanced modeling of protein sequence and biophysical properties (such as structural, functional, and spatial information, amino acid conservation, physicochemical variation, residue mobility, and thermodynamic stability) performed at Invitae indicates that this missense variant is not expected to disrupt KCNV2 protein function. This variant has not been reported in the literature in individuals affected with KCNV2-related conditions. This variant is not present in population databases (ExAC no frequency). This sequence change replaces leucine with proline at codon 220 of the KCNV2 protein (p.Leu220Pro). The leucine residue is highly conserved and there is a moderate physicochemical difference between leucine and proline.

NM_133497.4(KCNV2):c.659T>C (p.Leu220Pro)

Gene: KCNV2 (potassium voltage-gated channel modifier subfamily V member 2; plus strand). Cytogenetic location: 9p24.2.
Variant type: single nucleotide variant.
Coding change: c.659T>C on transcript NM_133497.4 (MANE Select); coding-DNA position 659, T replaced by C.
Protein change: p.Leu220Pro; replaces leucine 220 with proline.
Molecular consequence: missense variant.
Genome position (GRCh38, 1-based): chr9:2,718,398, T>C. VCF-style: chr9-2718398-T-C. GRCh37 (hg19) VCF-style: chr9-2718398-T-C.
Other names: short protein forms L220P.
Identifiers: ClinVar variation 1486277 (VCV001486277.6), dbSNP rs1199262407, ClinGen allele CA372798621.